The following is an entry in ClinVar:

ClinVar aggregate classification (germline): Conflicting classifications of pathogenicity. Review status: criteria provided, conflicting classifications (1 of 4 stars). 5 submissions from 5 submitters: Uncertain significance (4); Likely benign (1). Last evaluated 2025-06-02.

Conditions:
Drash syndrome (DDS). Also called: NEPHROPATHY, WILMS TUMOR, AND GENITAL ANOMALIES; WILMS TUMOR AND PSEUDO- OR TRUE HERMAPHRODITISM. Identifiers: Orphanet 220, MedGen C0950121, MONDO:0008682, OMIM 194080.
Wilms tumor 1 (WT1). Also called: Wilms tumor, somatic. Identifiers: Orphanet 654, MedGen CN033288, MONDO:0008679, OMIM 194070.
11p partial monosomy syndrome (WAGR). Also called: CHROMOSOME 11p13 DELETION SYNDROME; WAGR Spectrum Disorder; WAGR syndrome; WAGR Complex. Identifiers: Orphanet 893, MedGen C0206115, MONDO:0008681, OMIM 194072.
Aniridia 1 (AN1). Identifiers: Orphanet 250923, MedGen C0344542, MONDO:0024507, OMIM 106210.
Meacham syndrome. Also called: Meacham Winn Culler syndrome. Identifiers: Orphanet 3097, MedGen C1837026, MONDO:0012164, OMIM 608978.
Mesothelioma, malignant (MESOM). Also called: Malignant mesothelioma (disease). Identifiers: Orphanet 50251, MedGen C0345967, MONDO:0006292, OMIM 156240, HP:0100001.
Frasier syndrome. Identifiers: Orphanet 347, MedGen C0950122, MeSH D052159, MONDO:0007635, OMIM 136680.
Nephrotic syndrome, type 4 (NPHS4). Also called: Familial mesangial sclerosis; Nephrotic syndrome, early onset with diffuse mesangial sclerosis. Identifiers: Orphanet 656, MedGen C3151568, MONDO:0009733, OMIM 256370.
Inborn genetic diseases. Identifiers: MedGen C0950123, MeSH D030342.

Allele frequency attached by ClinVar (database versions not stated): TOPMed below 0.00001.
gnomAD v4.1: 6 of 1,521,694 alleles (0.00039%); highest among the groups gnomAD compares: East Asian, 0.0025%; no homozygotes.

Submissions (5):

Labcorp Genetics (formerly Invitae), Labcorp
Classification: Uncertain significance for Wilms tumor 1; Drash syndrome; 11p partial monosomy syndrome; Frasier syndrome. Last evaluated: 2025-06-02. Review status: criteria provided, single submitter. Criteria: Invitae Variant Classification Sherloc (09022015). Collection method: clinical testing. Allele origin: germline.
Comment: This sequence change replaces glycine, which is neutral and non-polar, with glutamic acid, which is acidic and polar, at codon 63 of the WT1 protein (p.Gly63Glu). This variant is not present in population databases (gnomAD no frequency). This variant has not been reported in the literature in individuals affected with WT1-related conditions. ClinVar contains an entry for this variant (Variation ID: 543118). Invitae Evidence Modeling of protein sequence and biophysical properties (such as structural, functional, and spatial information, amino acid conservation, physicochemical variation, residue mobility, and thermodynamic stability) has been performed for this missense variant. However, the output from this modeling did not meet the statistical confidence thresholds required to predict the impact of this variant on WT1 protein function. In summary, the available evidence is currently insufficient to determine the role of this variant in disease. Therefore, it has been classified as a Variant of Uncertain Significance.

Ambry Genetics
Classification: Likely benign for Inborn genetic diseases. Last evaluated: 2025-01-15. Review status: criteria provided, single submitter. Criteria: Ambry Variant Classification Scheme 2023. Collection method: clinical testing. Allele origin: germline.

Baylor Genetics
Classification: Uncertain significance for Drash syndrome. Last evaluated: 2024-03-27. Review status: criteria provided, single submitter. Criteria: ACMG Guidelines, 2015. Collection method: clinical testing. Allele origin: unknown.

GeneDx
Classification: Uncertain significance. Last evaluated: 2023-05-10. Review status: criteria provided, single submitter. Criteria: GeneDx Variant Classification Process June 2021. Collection method: clinical testing. Allele origin: germline. Affected: yes.
Comment: Not observed at significant frequency in large population cohorts (gnomAD); In silico analysis supports that this missense variant does not alter protein structure/function; Has not been previously published as pathogenic or benign to our knowledge

Fulgent Genetics
Classification: Uncertain significance for Aniridia 1; Frasier syndrome; Mesothelioma, malignant; Wilms tumor 1; 11p partial monosomy syndrome; Drash syndrome; Nephrotic syndrome, type 4; Meacham syndrome. Last evaluated: 2021-09-21. Review status: criteria provided, single submitter. Criteria: ACMG Guidelines, 2015. Collection method: clinical testing. Allele origin: unknown.

NM_024426.6(WT1):c.203G>A (p.Gly68Glu)

Genes: WT1 (WT1 transcription factor; minus strand), LOC107982234 (WT1/WT1-AS bi-directional promoter region; plus strand). Cytogenetic location: 11p13.
Variant type: single nucleotide variant.
Coding change: c.203G>A on transcript NM_024426.6 (MANE Select); coding-DNA position 203, G replaced by A.
Protein change: p.Gly68Glu; replaces glycine 68 with glutamic acid.
Molecular consequence: missense variant. On other transcripts: non-coding transcript variant (1).
Genome position (GRCh38, 1-based): chr11:32,435,158, C>T on the plus strand (G>A on the coding strand, the complement: WT1 is on the minus strand). VCF-style: chr11-32435158-C-T. GRCh37 (hg19) VCF-style: chr11-32456704-C-T.
Other names: c.203G>A, p.Gly68Glu (NM_000378.6, NM_024424.5); short protein forms G68E.
Identifiers: ClinVar variation 543118 (VCV000543118.12), dbSNP rs1170323988, ClinGen allele CA379966170.
Genomic context (GRCh38, chr11:32,435,158, plus strand): 5'-ACGGCGGGCAGCAGCGCGTTCAGGTCCCGCACGTCGGAGCCCATTTGCTGCGGCTCAGAC[C>T]CGGACGCCCCGCGGCTCCTCCGGCCCTGGAGACGTTCAGCGCTGGCCTCGGCGGCGCCTA-3'
Protein context (NP_077744.4, residues 58-78): LQGRRSRGAS[Gly68Glu]SEPQQMGSDV